The following is an entry in ClinVar:

ClinVar aggregate classification (germline): Uncertain significance (1 of 4 stars; one submission).

Conditions:
Immunodeficiency 104. Also called: Severe combined immunodeficiency, autosomal recessive, T cell-negative, B cell-positive, NK cell-positive; SCID, AUTOSOMAL RECESSIVE, T CELL-NEGATIVE, B CELL-POSITIVE, NK CELL-POSITIVE; IMMUNODEFICIENCY 104, SEVERE COMBINED; Severe Combined Immune Deficiency, Autosomal Recessive, TCell -Negative, B Cell-Positive, NK Cell-Positive, IL7R-Related. Identifiers: MedGen C5676890, MONDO:0012163, OMIM 608971.

Allele frequency attached by ClinVar (database versions not stated): gnomAD exomes below 0.00001.
gnomAD v4.1: 2 of 1,613,574 alleles (0.00012%); highest among the groups gnomAD compares: Admixed American, 0.0033%; no homozygotes.

Submission:

Labcorp Genetics (formerly Invitae), Labcorp
Classification: Uncertain significance for Immunodeficiency 104. Last evaluated: 2022-08-10. Review status: criteria provided, single submitter. Criteria: Invitae Variant Classification Sherloc (09022015). Collection method: clinical testing. Allele origin: germline.
Comment: This sequence change replaces threonine, which is neutral and polar, with isoleucine, which is neutral and non-polar, at codon 274 of the PTPRC protein (p.Thr274Ile). This variant is not present in population databases (gnomAD no frequency). This variant has not been reported in the literature in individuals affected with PTPRC-related conditions. ClinVar contains an entry for this variant (Variation ID: 1000826). Algorithms developed to predict the effect of missense changes on protein structure and function (SIFT, PolyPhen-2, Align-GVGD) all suggest that this variant is likely to be tolerated. In summary, the available evidence is currently insufficient to determine the role of this variant in disease. Therefore, it has been classified as a Variant of Uncertain Significance.

NM_002838.5(PTPRC):c.821C>T (p.Thr274Ile)

Gene: PTPRC (protein tyrosine phosphatase receptor type C; plus strand). Cytogenetic location: 1q32.1.
Variant type: single nucleotide variant.
Coding change: c.821C>T on transcript NM_002838.5 (MANE Select); coding-DNA position 821, C replaced by T.
Protein change: p.Thr274Ile; replaces threonine 274 with isoleucine.
Molecular consequence: missense variant.
Genome position (GRCh38, 1-based): chr1:198,706,869, C>T. VCF-style: chr1-198706869-C-T. GRCh37 (hg19) VCF-style: chr1-198675998-C-T.
Other names: c.338C>T, p.Thr113Ile (NM_080921.4); short protein forms T113I, T274I.
Identifiers: ClinVar variation 1000826 (VCV001000826.9), dbSNP rs1653004183, ClinGen allele CA344033672.